The following is an entry in ClinVar:

NM_182961.4(SYNE1):c.3303T>C (p.Cys1101=)

Gene: SYNE1 (spectrin repeat containing nuclear envelope protein 1; minus strand). Cytogenetic location: 6q25.2.
Variant type: single nucleotide variant.
Coding change: c.3303T>C on transcript NM_182961.4 (MANE Select); coding-DNA position 3303, T replaced by C.
Protein change: p.Cys1101=; no amino-acid change (cysteine 1101 retained).
Molecular consequence: synonymous variant.
Genome position (GRCh38, 1-based): chr6:152,450,717, A>G on the plus strand (T>C on the coding strand, the complement: SYNE1 is on the minus strand). VCF-style: chr6-152450717-A-G. GRCh37 (hg19) VCF-style: chr6-152771852-A-G.
Other names: p.Cys1108=; c.3324T>C, p.Cys1108= (NM_033071.5).
Identifiers: ClinVar variation 707482 (VCV000707482.10), dbSNP rs369863768, ClinGen allele CA4058873.

ClinVar aggregate classification (germline): Likely benign. Review status: criteria provided, multiple submitters, no conflicts (2 of 4 stars). 2 submissions from 2 submitters: Likely benign (2). Last evaluated 2025-10-26.

Conditions:
Autosomal recessive ataxia, Beauce type. Also called: Spinocerebellar ataxia, autosomal recessive 8; SYNE1 Deficiency; SYNE1-Related Autosomal Recessive Cerebellar Ataxia; ATAXIA, RECESSIVE, OF BEAUCE. Identifiers: Orphanet 88644, MedGen C1853116, MONDO:0012549, OMIM 610743.
Emery-Dreifuss muscular dystrophy 4, autosomal dominant (EDMD4). Also called: EMERY-DREIFUSS MUSCULAR DYSTROPHY 4 WITH VARIABLE FEATURES. Identifiers: Orphanet 261, MedGen C2751807, MONDO:0013071, OMIM 612998.

Allele frequency attached by ClinVar (database versions not stated): ExAC 0.00002; gnomAD exomes 0.00003 and 0.00017; gnomAD 0.00005; TOPMed 0.00005; ESP Exome Variant Server 0.00008.
gnomAD v4.1: 252 of 1,614,008 alleles (0.016%); highest among the groups gnomAD compares: Non-Finnish European, 0.021%; no homozygotes.

Submissions (2):

Labcorp Genetics (formerly Invitae), Labcorp
Classification: Likely benign for Emery-Dreifuss muscular dystrophy 4, autosomal dominant; Autosomal recessive ataxia, Beauce type. Last evaluated: 2025-10-26. Review status: criteria provided, single submitter. Criteria: Invitae Variant Classification Sherloc (09022015). Collection method: clinical testing. Allele origin: germline.

Mayo Clinic Laboratories, Mayo Clinic
Classification: Likely benign. Last evaluated: 2025-09-09. Review status: criteria provided, single submitter. Criteria: ACMG Guidelines, 2015. Collection method: clinical testing. Allele origin: germline. Observed: 2 variant alleles.
Comment: BP4, BP7